The following is an entry in ClinVar:

NM_002439.5(MSH3):c.3130+3A>T

Gene: MSH3 (mutS homolog 3; plus strand). Cytogenetic location: 5q14.1.
Variant type: single nucleotide variant.
Coding change: c.3130+3A>T on transcript NM_002439.5 (MANE Select); 3 bases into the intron after coding-DNA position 3130, A replaced by T.
Molecular consequence: intron variant.
Genome position (GRCh38, 1-based): chr5:80,864,945, A>T. VCF-style: chr5-80864945-A-T. GRCh37 (hg19) VCF-style: chr5-80160764-A-T.
Identifiers: ClinVar variation 3572214 (VCV003572214.1).

ClinVar aggregate classification (germline): Uncertain significance (1 of 4 stars; one submission).

Submission:

Quest Diagnostics Nichols Institute San Juan Capistrano
Classification: Uncertain significance. Last evaluated: 2023-11-07. Review status: criteria provided, single submitter. Criteria: Quest Diagnostics criteria. Collection method: clinical testing. Allele origin: unknown.
Comment: The MSH3 c.3130+3A>T variant has not been reported in individuals with MSH3-related conditions in the published literature. It also has not been reported in large, multi-ethnic general populations (Genome Aggregation Database). Analysis of this variant using software algorithms for the prediction of the effect of nucleotide changes on splicing yielded predictions that this variant may affect proper MSH3 mRNA splicing. Based on the available information, we are unable to determine the clinical significance of this variant.